The following is an entry in ClinVar:

NM_001282531.3(ADNP):c.1377T>C (p.Asn459=)

Gene: ADNP (activity dependent neuroprotector homeobox; minus strand). Cytogenetic location: 20q13.13.
Variant type: single nucleotide variant.
Coding change: c.1377T>C on transcript NM_001282531.3 (MANE Select); coding-DNA position 1377, T replaced by C.
Protein change: p.Asn459=; no amino-acid change (asparagine 459 retained).
Molecular consequence: synonymous variant.
Genome position (GRCh38, 1-based): chr20:50,893,337, A>G on the plus strand (T>C on the coding strand, the complement: ADNP is on the minus strand). VCF-style: chr20-50893337-A-G. GRCh37 (hg19) VCF-style: chr20-49509874-A-G.
Other names: c.1377T>C, p.Asn459= (NM_001282532.2, NM_001347511.2, NM_015339.5 and 1 more transcripts).
Identifiers: ClinVar variation 1771198 (VCV001771198.31), dbSNP rs149976600, ClinGen allele CA9908727.

ClinVar aggregate classification (germline): Likely benign. Review status: criteria provided, multiple submitters, no conflicts (2 of 4 stars). 3 submissions from 3 submitters: Likely benign (3). Last evaluated 2026-01-12.

Conditions:
Inborn genetic diseases. Identifiers: MedGen C0950123, MeSH D030342.

Allele frequency attached by ClinVar (database versions not stated): gnomAD exomes 0.00002; ExAC 0.00004; ESP Exome Variant Server 0.00015; gnomAD 0.00021; TOPMed 0.00024; 1000 Genomes Project 0.00040; 1000 Genomes Project 30x 0.00047.
gnomAD v4.1: 60 of 1,614,140 alleles (0.0037%); highest among the groups gnomAD compares: African/African-American, 0.073%; no homozygotes.

Submissions (3):

Labcorp Genetics (formerly Invitae), Labcorp
Classification: Likely benign. Last evaluated: 2026-01-12. Review status: criteria provided, single submitter. Criteria: Invitae Variant Classification Sherloc (09022015). Collection method: clinical testing. Allele origin: germline.

CeGaT Center for Human Genetics Tuebingen
Classification: Likely benign. Last evaluated: 2023-10-01. Review status: criteria provided, single submitter. Criteria: CeGaT Center For Human Genetics Tuebingen Variant Classification Criteria Version 2. Collection method: clinical testing. Allele origin: germline. Affected: yes. Observed: 2 variant alleles.
Comment: ADNP: BP4, BP7

Ambry Genetics
Classification: Likely benign for Inborn genetic diseases. Last evaluated: 2020-01-23. Review status: criteria provided, single submitter. Criteria: Ambry Variant Classification Scheme 2023. Collection method: clinical testing. Allele origin: germline.